The following is an entry in ClinVar:

NM_000152.5(GAA):c.1796C>A (p.Ser599Tyr)

Gene: GAA (alpha glucosidase; plus strand). Cytogenetic location: 17q25.3.
Variant type: single nucleotide variant.
Coding change: c.1796C>A on transcript NM_000152.5 (MANE Select); coding-DNA position 1796, C replaced by A.
Protein change: p.Ser599Tyr; replaces serine 599 with tyrosine.
Molecular consequence: missense variant.
Genome position (GRCh38, 1-based): chr17:80,112,619, C>A. VCF-style: chr17-80112619-C-A. GRCh37 (hg19) VCF-style: chr17-78086418-C-A.
Other names: NM_000152.5(GAA):c.1796C>A; c.1796C>A (LRG_673t1, NM_000152.4); c.1796C>A, p.Ser599Tyr (NM_001079803.3, NM_001079804.3); short protein forms S599Y.
Identifiers: ClinVar variation 551558 (VCV000551558.30), dbSNP rs753505203, ClinGen allele CA8815479.

ClinVar aggregate classification (germline): Likely pathogenic. Review status: reviewed by expert panel (3 of 4 stars). 11 submissions from 11 submitters: Likely pathogenic (1). 10 of the submissions do not count toward it. Last evaluated 2024-11-22.

Conditions:
Glycogen storage disease, type II (IOPD). Also called: Glucosidase acid-1,4-alpha deficiency; GLYCOGENOSIS, GENERALIZED, CARDIAC FORM; GSD II; GLYCOGEN STORAGE DISEASE II, INFANTILE-ONSET; ACID ALPHA-GLUCOSIDASE DEFICIENCY, INFANTILE-ONSET; GAA DEFICIENCY, INFANTILE-ONSET. Identifiers: Orphanet 365, MedGen C0017921, MONDO:0009290, OMIM 232300.

Allele frequency attached by ClinVar (database versions not stated): gnomAD exomes 0.00001; TOPMed 0.00001; ExAC 0.00002.
gnomAD v4.1: 7 of 1,612,984 alleles (0.00043%); highest among the groups gnomAD compares: Non-Finnish European, 0.00059%; no homozygotes.

Submissions (11):

ClinGen Lysosomal Storage Disorder Variant Curation Expert Panel
Classification: Likely pathogenic for Glycogen storage disease, type II. Last evaluated: 2024-11-22. Review status: reviewed by expert panel. Criteria: clingen_lsd_acmg_specifications_v2-1. Collection method: curation. Allele origin: germline. Inheritance: Autosomal recessive inheritance.
Comment: The NM_000152.5:c.1796C>A variant in GAA is a missense variant predicted to cause substitution of serine by tyramine at amino acid 599 (p.Ser599Tyr). At least 4 probands have been reported with clinical symptoms consistent with Pompe, typically late onset of symptoms, and documentation of reduced enzyme activity in the affected range (PMID: 37087815 and/or on enzyme replacement therapy (PMID: 29122469, 29803406, 31710733). Additional patients have symptoms consistent with Pompe disease but no details were available on GAA activity (PMID: 32419263). At least 4 individuals are compound heterozygous, phase unconfirmed, for the variant and another variant in GAA that has been classified as pathogenic by the ClinGen LD VCEP including c.-32-13T>G (at least 2 patients) (PMID: 29122469, 31710733, 32419263, 37087815) (max 2 x 0.5 points = 1 point), and c.655G>A (p.Gly219Arg) (PMID: 18429042) (0.5 points). Another individuals is compound heterozygous for the variant and c.364A>G (p.Met122Val); phase unknown (PMID: 29803406). The allelic data for the proband will be used in the assessment of p.Met122Val and is not included here to avoid circular logic. Total 1.5 points (PM3). The highest population minor allele frequency in gnomAD v2.1.0 is 0.00002683 (3/111834; no homozygotes) and in gnomAD v4.1.0 it is 0.000005932 (7/1179950; no homozygotes) in the European (non-Finnish) population, which is lower than the ClinGen LD VCEP threshold for PM2_Supporting (<0.001), meeting this criterion (PM2_Supporting). Expression of the variant in COS cells resulted in 0% wild type GAA activity and evidence of abnormal GAA synthesis and processing leading the variant to be described as Class A (“very severe”). An additional study demonstrated 0% GAA activity in Ad5-SV40 fibroblast cells and abnormal Western blot results, indicating that this variant may impact protein function (PMIDs 18425781, 18429042)(PS3_Moderate). The computational predictor REVEL gives a score of 0.974 which is above the threshold of 0.7, evidence that correlates with impact to GAA function (PP3). There is a ClinVar entry for this variant (Variation ID: 551558). In summary, this variant meets the criteria to be classified as Likely Pathogenic for Pompe disease. GAA-specific ACMG/AMP criteria met, based on the specifications of the ClinGen Lysosomal Diseases Variant Curation Expert Panel (Specifications Version 2): PS3_Moderate, PM3, PP3, PP4_Moderate, PM2_Supporting. (Classification approved by the ClinGen Lysosomal Diseases Variant Curation Expert Panel on November 22, 2024).

Genomenon, Inc
Classification: Likely pathogenic for Glycogen storage disease, type II. Last evaluated: 2026-07-01. Review status: criteria provided, single submitter. Criteria: Genomenon Sequence Variant Interpretation Standards - Updated. Collection method: curation. Allele origin: germline. Affected: yes. Not counted in ClinVar's aggregate classification.
Comment: GAA p.Ser599Tyr (c.1796C>A) is a missense variant that changes the amino acid at codon 599 from Serine to Tyrosine. This variant has been observed in at least one proband with a GAA-related disorder in the compound heterozygous and/or homozygous state (PMID:38313679;37087815;32419263;31710733;18429042). At least one functional study has demonstrated a substantial alteration in protein function relative to the wild-type (PMID:18425781;18429042). It is absent or not present at a significant frequency in gnomAD. In silico models predict that this variant is possibly or probably damaging. In conclusion, we classify GAA p.Ser599Tyr (c.1796C>A) as a likely pathogenic variant.

GeneDx
Classification: Pathogenic. Last evaluated: 2026-03-19. Review status: criteria provided, single submitter. Criteria: GeneDx Variant Classification Process June 2021. Collection method: clinical testing. Allele origin: germline. Not counted in ClinVar's aggregate classification.
Comment: Published functional studies demonstrate a damaging effect on enzyme activity (PMID: 18429042, 22253258); In silico analysis supports that this missense variant has a deleterious effect on protein structure/function; Not observed at significant frequency in large population cohorts (gnomAD); This variant is associated with the following publications: (PMID: 30281819, 18429042, 18425781, 29803406, 38313679, 32419263, 29122469, 37087815, 31342611, 31710733, 22253258, 19343043)

Natera, Inc.
Classification: Likely pathogenic for Glycogen storage disease type II. Last evaluated: 2025-12-29. Review status: criteria provided, single submitter. Criteria: Natera Variant Classification Schema (03/2026). Collection method: clinical testing. Allele origin: germline. Not counted in ClinVar's aggregate classification.
Comment: The c.1796C>A variant in GAA is a missense variant predicted to cause substitution of serine to tyrosine at amino acid 599. This variant is rare in the general population with a frequency below the threshold expected for the associated phenotype(s). This variant has been observed in one or more individuals affected with the associated recessive disease, as either homozygous or compound heterozygous with a second variant (PMID: 18429042, 38313679, 29122469, 32419263, 37087815, 18425781). Functional studies show that this variant may disrupt protein function (PMID: 18429042, 18425781). Computational prediction algorithms indicate this variant is likely to affect gene or protein function. Given the available evidence, this variant is classified as Likely Pathogenic.

Labcorp Genetics (formerly Invitae), Labcorp
Classification: Pathogenic for Glycogen storage disease, type II. Last evaluated: 2025-12-24. Review status: criteria provided, single submitter. Criteria: Invitae Variant Classification Sherloc (09022015). Collection method: clinical testing. Allele origin: germline. Not counted in ClinVar's aggregate classification.
Comment: This sequence change replaces serine, which is neutral and polar, with tyrosine, which is neutral and polar, at codon 599 of the GAA protein (p.Ser599Tyr). This variant is present in population databases (rs753505203, gnomAD 0.003%). This missense change has been observed in individual(s) with limb-girdle muscular dystrophy and/or Pompe disease (PMID: 18429042, 29122469, 31342611; internal data). In at least one individual the data is consistent with being in trans (on the opposite chromosome) from a pathogenic variant. ClinVar contains an entry for this variant (Variation ID: 551558). Invitae Evidence Modeling of protein sequence and biophysical properties (such as structural, functional, and spatial information, amino acid conservation, physicochemical variation, residue mobility, and thermodynamic stability) indicates that this missense variant is expected to disrupt GAA protein function with a positive predictive value of 95%. Experimental studies have shown that this missense change affects GAA function (PMID: 18429042). This variant disrupts the p.Ser599 amino acid residue in GAA. Other variant(s) that disrupt this residue have been observed in individuals with GAA-related conditions (PMID: 26253708), which suggests that this may be a clinically significant amino acid residue. For these reasons, this variant has been classified as Pathogenic.

Revvity Omics, Revvity
Classification: Likely pathogenic. Last evaluated: 2024-05-03. Review status: criteria provided, single submitter. Criteria: ACMG Guidelines, 2015. Collection method: clinical testing. Allele origin: germline. Not counted in ClinVar's aggregate classification.

Fulgent Genetics
Classification: Likely pathogenic for Glycogen storage disease, type II. Last evaluated: 2024-04-15. Review status: criteria provided, single submitter. Criteria: ACMG Guidelines, 2015. Collection method: clinical testing. Allele origin: germline. Not counted in ClinVar's aggregate classification.

Baylor Genetics
Classification: Pathogenic for Glycogen storage disease, type II. Last evaluated: 2023-10-19. Review status: criteria provided, single submitter. Criteria: ACMG Guidelines, 2015. Collection method: clinical testing. Allele origin: unknown. Not counted in ClinVar's aggregate classification.

Genome-Nilou Lab
Classification: Likely pathogenic for Glycogen storage disease, type II. Last evaluated: 2021-07-22. Review status: criteria provided, single submitter. Criteria: ACMG Guidelines, 2015. Collection method: clinical testing. Allele origin: germline. Affected: no. Not counted in ClinVar's aggregate classification.

Broad Center for Mendelian Genomics, Broad Institute of MIT and Harvard
Classification: Likely pathogenic for Glycogen storage disease, type II. Last evaluated: 2020-01-22. Review status: criteria provided, single submitter. Criteria: ACMG Guidelines, 2015. Collection method: curation. Allele origin: germline. Inheritance: Autosomal recessive inheritance. Not counted in ClinVar's aggregate classification.
Comment: The p.Ser599Tyr variant in GAA has been reported in three individuals with glycogen storage disease II (PMID: 29122469, 18429042, 18425781) and has been identified in 0.003% (3/111834) of European (non-Finnish) chromosomes by the Genome Aggregation Database (gnomAD; dbSNP rs753505203). Although this variant has been seen in the general population, its frequency is low enough to be consistent with a recessive carrier frequency. This variant has also been reported in ClinVar as a VUS by Counsyl and Invitae (VariationID: 551558). In vitro function studies using COS-7 cells and fibroblasts transfected with the variant provide some evidence that the p.Ser599Tyr variant causes null enzyme activity (PMID: 18429042, 18425781). However, these types of assays may not accurately represent biological function. Computational prediction tools and conservation analyses suggest that this variant may impact the protein, though this information is not predictive enough to determine pathogenicity. In addition, this variant was reported in combination with reported pathogenic variant c.-32-13T>G (VariationID: 4027, PMID: 29122469) and pathogenic variant p.Gly219Arg (VariationID: 189065, PMID: 18429042) and in individuals with glycogen storage disease II. In summary, although additional studies are required to fully establish its clinical significance, this variant is likely pathogenic. ACMG/AMP Criteria applied: PS3, PM2, PP3 (Richards 2015).

Counsyl
Classification: Uncertain significance for Glycogen storage disease, type II. Last evaluated: 2017-04-18. Review status: no assertion criteria provided. Collection method: clinical testing. Allele origin: unknown. Not counted in ClinVar's aggregate classification.

Literature cited by the submitters: PubMed 38313679 (cited by Genomenon, Inc and Natera, Inc.); PubMed 37087815 (cited by Genomenon, Inc and Natera, Inc.); PubMed 32419263 (cited by Genomenon, Inc and Natera, Inc.); PubMed 31710733 (cited by Genomenon, Inc); PubMed 18429042 (cited by 5 submitters); PubMed 18425781 (cited by 3 submitters); PubMed 29122469 (cited by Natera, Inc. and Labcorp Genetics (formerly Invitae), Labcorp); PubMed 31342611 (cited by Labcorp Genetics (formerly Invitae), Labcorp); PubMed 26253708 (cited by Labcorp Genetics (formerly Invitae), Labcorp).